The following is an entry in ClinVar:

ClinVar aggregate classification (germline): Pathogenic (1 of 4 stars; one submission).

Allele frequency attached by ClinVar (database versions not stated): TOPMed 0.00001.
gnomAD v4.1: 3 of 1,614,052 alleles (0.00019%); highest among the groups gnomAD compares: Non-Finnish European, 0.00025%; no homozygotes.

Submission:

Labcorp Genetics (formerly Invitae), Labcorp
Classification: Pathogenic. Last evaluated: 2023-06-16. Review status: criteria provided, single submitter. Criteria: Invitae Variant Classification Sherloc (09022015). Collection method: clinical testing. Allele origin: germline.
Comment: For these reasons, this variant has been classified as Pathogenic. ClinVar contains an entry for this variant (Variation ID: 631877). This variant has not been reported in the literature in individuals affected with CD40-related conditions. This variant is not present in population databases (gnomAD no frequency). This sequence change creates a premature translational stop signal (p.Gln133*) in the CD40 gene. It is expected to result in an absent or disrupted protein product. Loss-of-function variants in CD40 are known to be pathogenic (PMID: 20702779, 24122029, 35729272).

Literature cited by the submitters: PubMed 20702779; PubMed 24122029; PubMed 35729272.

NM_001250.6(CD40):c.397C>T (p.Gln133Ter)

Gene: CD40 (CD40 molecule; plus strand). Cytogenetic location: 20q13.12.
Variant type: single nucleotide variant.
Coding change: c.397C>T on transcript NM_001250.6 (MANE Select); coding-DNA position 397, C replaced by T.
Protein change: p.Gln133Ter; replaces glutamine 133 with a stop codon.
Molecular consequence: nonsense. On other transcripts: non-coding transcript variant (2).
Genome position (GRCh38, 1-based): chr20:46,122,750, C>T. VCF-style: chr20-46122750-C-T. GRCh37 (hg19) VCF-style: chr20-44751389-C-T.
Other names: c.397C>T, p.Gln133Ter (NM_001302753.2, NM_001322421.2, NM_001322422.2 and 2 more transcripts); short protein forms Q133*.
Identifiers: ClinVar variation 631877 (VCV000631877.7), dbSNP rs1460849632, ClinGen allele CA409205780.